The following is an entry in ClinVar:

NM_000179.3(MSH6):c.1168G>C (p.Asp390His)

Gene: MSH6 (mutS homolog 6; plus strand). Cytogenetic location: 2p16.3.
Variant type: single nucleotide variant.
Coding change: c.1168G>C on transcript NM_000179.3 (MANE Select); coding-DNA position 1168, G replaced by C.
Protein change: p.Asp390His; replaces aspartic acid 390 with histidine.
Molecular consequence: missense variant. On other transcripts: non-coding transcript variant (4), intron variant (1).
Genome position (GRCh38, 1-based): chr2:47,799,151, G>C. VCF-style: chr2-47799151-G-C. GRCh37 (hg19) VCF-style: chr2-48026290-G-C.
Other names: c.778G>C, p.Asp260His (NM_001281492.2); c.262G>C, p.Asp88His (NM_001281493.2, NM_001406814.1, NM_001406815.1 and 6 more transcripts); c.1168G>C, p.Asp390His (NM_001406817.1, NM_001406796.1, NM_001406798.1 and 4 more transcripts); c.871G>C, p.Asp291His (NM_001406818.1, NM_001406819.1, NM_001406820.1 and 10 more transcripts); c.628-1515G>C (NM_001407362.1); c.1264G>C, p.Asp422His (NM_001406795.1, NM_001406802.1); c.643G>C, p.Asp215His (NM_001406799.1, NM_001406806.1, NM_001406807.1); c.1090G>C, p.Asp364His (NM_001406804.1); and 2 more; short protein forms D291H, D334H, D392H, D422H, D390H, D215H, D260H, D364H.
Identifiers: ClinVar variation 3633921 (VCV003633921.2).
Genomic context (GRCh38, chr2:47,799,151, plus strand): 5'-TTAGAATGGCTTAAGGAGGAAAAGAGAAGAGATGAGCACAGGAGGAGGCCTGATCACCCC[G>C]ATTTTGATGCATCTACACTCTATGTGCCTGAGGATTTCCTCAATTCTTGTACTCCTGGGA-3'
Protein context (NP_000170.1, residues 380-400): DEHRRRPDHP[Asp390His]FDASTLYVPE

ClinVar aggregate classification (germline): Uncertain significance (1 of 4 stars; one submission).

Conditions:
Hereditary nonpolyposis colorectal neoplasms. Identifiers: MedGen C0009405, MeSH D003123.

Submission:

Labcorp Genetics (formerly Invitae), Labcorp
Classification: Uncertain significance for Hereditary nonpolyposis colorectal neoplasms. Last evaluated: 2024-03-06. Review status: criteria provided, single submitter. Criteria: Invitae Variant Classification Sherloc (09022015). Collection method: clinical testing. Allele origin: germline.
Comment: This sequence change replaces aspartic acid, which is acidic and polar, with histidine, which is basic and polar, at codon 390 of the MSH6 protein (p.Asp390His). This variant is not present in population databases (gnomAD no frequency). This variant has not been reported in the literature in individuals affected with MSH6-related conditions. Advanced modeling of protein sequence and biophysical properties (such as structural, functional, and spatial information, amino acid conservation, physicochemical variation, residue mobility, and thermodynamic stability) performed at Invitae indicates that this missense variant is not expected to disrupt MSH6 protein function with a negative predictive value of 95%. In summary, the available evidence is currently insufficient to determine the role of this variant in disease. Therefore, it has been classified as a Variant of Uncertain Significance.